The following is an entry in ClinVar:

NM_025159.3(TASL):c.858T>C (p.Ile286=)

Gene: TASL (TLR adaptor interacting with endolysosomal SLC15A4; minus strand). Cytogenetic location: Xp21.2.
Variant type: single nucleotide variant.
Coding change: c.858T>C on transcript NM_025159.3 (MANE Select); coding-DNA position 858, T replaced by C.
Protein change: p.Ile286=; no amino-acid change (isoleucine 286 retained).
Molecular consequence: synonymous variant.
Genome position (GRCh38, 1-based): chrX:30,559,498, A>G on the plus strand (T>C on the coding strand, the complement: TASL is on the minus strand). VCF-style: chrX-30559498-A-G. GRCh37 (hg19) VCF-style: chrX-30577615-A-G.
Identifiers: ClinVar variation 2660234 (VCV002660234.24), dbSNP rs2519132070, ClinGen allele CA515843288.

ClinVar aggregate classification (germline): Likely benign (1 of 4 stars; one submission).

Submission:

CeGaT Center for Human Genetics Tuebingen
Classification: Likely benign. Last evaluated: 2023-04-01. Review status: criteria provided, single submitter. Criteria: CeGaT Center For Human Genetics Tuebingen Variant Classification Criteria Version 2. Collection method: clinical testing. Allele origin: germline. Affected: yes. Observed: 1 variant allele.
Comment: TASL: PM2:Supporting, BP4, BP7